The following is an entry in ClinVar:

ClinVar aggregate classification (germline): Uncertain significance. Review status: criteria provided, multiple submitters, no conflicts (2 of 4 stars). 3 submissions from 3 submitters: Uncertain significance (3). Last evaluated 2022-08-09.

gnomAD v4.1: 13 of 1,604,862 alleles (0.00081%); highest among the groups gnomAD compares: South Asian, 0.013%; no homozygotes.

Submissions (3):

Labcorp Genetics (formerly Invitae), Labcorp
Classification: Uncertain significance. Last evaluated: 2022-08-09. Review status: criteria provided, single submitter. Criteria: Invitae Variant Classification Sherloc (09022015). Collection method: clinical testing. Allele origin: germline.
Comment: This sequence change falls in intron 25 of the CPLANE1 gene. It does not directly change the encoded amino acid sequence of the CPLANE1 protein. It affects a nucleotide within the consensus splice site. This variant is present in population databases (rs769785905, gnomAD 0.02%). This variant has not been reported in the literature in individuals affected with CPLANE1-related conditions. ClinVar contains an entry for this variant (Variation ID: 1504787). Variants that disrupt the consensus splice site are a relatively common cause of aberrant splicing (PMID: 17576681, 9536098). Algorithms developed to predict the effect of sequence changes on RNA splicing suggest that this variant is not likely to affect RNA splicing. In summary, the available evidence is currently insufficient to determine the role of this variant in disease. Therefore, it has been classified as a Variant of Uncertain Significance.

Revvity Omics, Revvity
Classification: Uncertain significance. Last evaluated: 2022-07-11. Review status: criteria provided, single submitter. Criteria: ACMG Guidelines, 2015. Collection method: clinical testing. Allele origin: germline.

Blueprint Genetics
Classification: Uncertain significance. Last evaluated: 2020-05-15. Review status: criteria provided, single submitter. Criteria: ACMG Guidelines, 2015. Collection method: clinical testing. Allele origin: germline.

Literature cited by the submitters: PubMed 17576681 (cited by Labcorp Genetics (formerly Invitae), Labcorp); PubMed 9536098 (cited by Labcorp Genetics (formerly Invitae), Labcorp).

NM_001384732.1(CPLANE1):c.4481+4C>A

Gene: CPLANE1 (ciliogenesis and planar polarity effector complex subunit 1; minus strand). Cytogenetic location: 5p13.2.
Variant type: single nucleotide variant.
Coding change: c.4481+4C>A on transcript NM_001384732.1 (MANE Select); 4 bases into the intron after coding-DNA position 4481, C replaced by A.
Molecular consequence: intron variant.
Genome position (GRCh38, 1-based): chr5:37,184,784, G>T on the plus strand (C>A on the coding strand, the complement: CPLANE1 is on the minus strand). VCF-style: chr5-37184784-G-T. GRCh37 (hg19) VCF-style: chr5-37184886-G-T.
Other names: c.4481+4C>A (NM_023073.3, NM_023073.4).
Identifiers: ClinVar variation 1504787 (VCV001504787.7), dbSNP rs769785905, ClinGen allele CA3238699.